The following is an entry in ClinVar:

ClinVar aggregate classification (germline): Pathogenic (1 of 4 stars; one submission).

Conditions:
Actin accumulation myopathy (CMYO2A). Also called: CONGENITAL MYOPATHY 2A, TYPICAL, AUTOSOMAL DOMINANT; Myopathy, actin, congenital, with cores; Nemaline myopathy 3, with intranuclear rods; Nemaline myopathy type 3; Myopathy, actin, congenital, with excess of thin myofilaments. Identifiers: Orphanet 98904, MedGen C3711389, MONDO:0008070, OMIM 161800.

Submission:

Labcorp Genetics (formerly Invitae), Labcorp
Classification: Pathogenic for Actin accumulation myopathy. Last evaluated: 2022-03-03. Review status: criteria provided, single submitter. Criteria: Invitae Variant Classification Sherloc (09022015). Collection method: clinical testing. Allele origin: germline.
Comment: ClinVar contains an entry for this variant (Variation ID: 958807). Advanced modeling of protein sequence and biophysical properties (such as structural, functional, and spatial information, amino acid conservation, physicochemical variation, residue mobility, and thermodynamic stability) performed at Invitae indicates that this missense variant is expected to disrupt ACTA1 protein function. For these reasons, this variant has been classified as Pathogenic. This missense change has been observed in individual(s) with autosomal dominant congenital myopathy (PMID: 21520333). In at least one individual the variant was observed to be de novo. This sequence change replaces lysine, which is basic and polar, with asparagine, which is neutral and polar, at codon 20 of the ACTA1 protein (p.Lys20Asn). This variant is not present in population databases (gnomAD no frequency).

Literature cited by the submitters: PubMed 21520333.

NM_001100.4(ACTA1):c.60A>C (p.Lys20Asn)

Gene: ACTA1 (actin alpha 1, skeletal muscle; minus strand). Cytogenetic location: 1q42.13.
Variant type: single nucleotide variant.
Coding change: c.60A>C on transcript NM_001100.4 (MANE Select); coding-DNA position 60, A replaced by C.
Protein change: p.Lys20Asn; replaces lysine 20 with asparagine.
Molecular consequence: missense variant.
Genome position (GRCh38, 1-based): chr1:229,433,056, T>G on the plus strand (A>C on the coding strand, the complement: ACTA1 is on the minus strand). VCF-style: chr1-229433056-T-G. GRCh37 (hg19) VCF-style: chr1-229568803-T-G.
Other names: short protein forms K20N.
Identifiers: ClinVar variation 958807 (VCV000958807.10), dbSNP rs1659986226, ClinGen allele CA345151584.
Genomic context (GRCh38, chr1:229,433,056, plus strand): 5'-GGGGCGGCCCACGATGGACGGGAACACGGCCCTAGGGGCGTCATCCCCGGCGAAGCCGGC[T>G]TTCACCAGGCCGGAGCCATTGTCGCACACGAGGGCGGTGGTCTCGTCTTCGTCGCACATT-3'
Protein context (NP_001091.1, residues 10-30): LVCDNGSGLV[Lys20Asn]AGFAGDDAPR